The following is an entry in ClinVar:

NM_015021.3(ZNF292):c.4433T>G (p.Phe1478Cys)

Gene: ZNF292 (zinc finger protein 292; plus strand). Cytogenetic location: 6q14.3.
Variant type: single nucleotide variant.
Coding change: c.4433T>G on transcript NM_015021.3 (MANE Select); coding-DNA position 4433, T replaced by G.
Protein change: p.Phe1478Cys; replaces phenylalanine 1478 with cysteine.
Molecular consequence: missense variant.
Genome position (GRCh38, 1-based): chr6:87,258,062, T>G. VCF-style: chr6-87258062-T-G. GRCh37 (hg19) VCF-style: chr6-87967780-T-G.
Other names: c.4013T>G, p.Phe1338Cys (NM_001351444.2); short protein forms F1338C, F1478C.
Identifiers: ClinVar variation 3375721 (VCV003375721.1).

ClinVar aggregate classification (germline): Uncertain significance (1 of 4 stars; one submission).

Submission:

GeneDx
Classification: Uncertain significance. Last evaluated: 2024-05-10. Review status: criteria provided, single submitter. Criteria: GeneDx Variant Classification Process June 2021. Collection method: clinical testing. Allele origin: germline. Affected: yes.
Comment: Not observed at significant frequency in large population cohorts (gnomAD); In silico analysis indicates that this missense variant does not alter protein structure/function; Has not been previously published as pathogenic or benign to our knowledge